The following is an entry in ClinVar:

ClinVar aggregate classification (germline): Uncertain significance. Review status: criteria provided, multiple submitters, no conflicts (2 of 4 stars). 2 submissions from 2 submitters: Uncertain significance (2). Last evaluated 2026-03-12.

Submissions (2):

GeneDx
Classification: Uncertain significance. Last evaluated: 2026-03-12. Review status: criteria provided, single submitter. Criteria: GeneDx Variant Classification Process June 2021. Collection method: clinical testing. Allele origin: germline.
Comment: In-frame duplication of 1 amino acid(s) in a non-repeat region; Has not been previously published as pathogenic or benign to our knowledge

CeGaT Center for Human Genetics Tuebingen
Classification: Uncertain significance. Last evaluated: 2024-06-01. Review status: criteria provided, single submitter. Criteria: CeGaT Center For Human Genetics Tuebingen Variant Classification Criteria Version 2. Collection method: clinical testing. Allele origin: germline. Affected: yes. Observed: 1 variant allele.
Comment: TNRC6B: PM4:Supporting

NM_001162501.2(TNRC6B):c.1744AGT[3] (p.Ser583_Asp584insSer)

Gene: TNRC6B (trinucleotide repeat containing adaptor 6B; plus strand). Cytogenetic location: 22q13.1.
Variant type: Microsatellite.
Coding change: c.1744AGT[3] on transcript NM_001162501.2 (MANE Select); three copies in a row of the 3-base unit AGT starting at c.1744; the reference has two copies in a row; one copy, 3 bases duplicated; also written c.1747_1749dup.
Protein change: p.Ser583_Asp584insSer.
Molecular consequence: inframe insertion. On other transcripts: intron variant (1).
Genome position (GRCh38, 1-based): chr22:40,265,977-40,265,979, AGT duplicated; duplicating any 3 consecutive bases within chr22:40,265,974-40,265,979 gives the same sequence; the position shown is the placement nearest the transcript's 3' end. VCF-style (leftmost placement, unchanged base first): chr22-40265973-A-AAGT. GRCh37 (hg19) VCF-style: chr22-40661977-A-AAGT.
Other names: c.1747_1749dup (NM_001162501.1); c.1744AGT[3], p.Ser583_Asp584insSer (NM_015088.3); c.565+3801AGT[3] (NM_001024843.2).
Identifiers: ClinVar variation 3251048 (VCV003251048.19), dbSNP rs754253494.